The following is an entry in ClinVar:

ClinVar aggregate classification (germline): Benign/Likely benign. Review status: criteria provided, multiple submitters, no conflicts (2 of 4 stars). 6 submissions from 6 submitters: Benign (4); Likely benign (1). 1 of the submissions does not count toward it. Last evaluated 2026-02-03.

Conditions:
Leukoencephalopathy with brain stem and spinal cord involvement-high lactate syndrome (LBSL). Also called: Leukoencephalopathy with Brainstem and Spinal Cord Involvement and Lactate Elevation; LEUKOENCEPHALOPATHY WITH BRAINSTEM AND SPINAL CORD INVOLVEMENT AND LACTATE ELEVATION, MILD; MITOCHONDRIAL ASPARTYL-tRNA SYNTHETASE DEFICIENCY. Identifiers: Orphanet 137898, MedGen C1970180, MONDO:0012622, OMIM 611105.

Allele frequency attached by ClinVar (database versions not stated): gnomAD 0.21856 and 0.22096; ExAC 0.24948; gnomAD exomes 0.27422.

Submissions (6):

Labcorp Genetics (formerly Invitae), Labcorp
Classification: Benign. Last evaluated: 2026-02-03. Review status: criteria provided, single submitter. Criteria: Invitae Variant Classification Sherloc (09022015). Collection method: clinical testing. Allele origin: germline.

Blueprint Genetics
Classification: Likely benign. Last evaluated: 2024-11-26. Review status: criteria provided, single submitter. Criteria: ACMG Guidelines, 2015. Collection method: clinical testing. Allele origin: germline.

Genome-Nilou Lab
Classification: Benign for Leukoencephalopathy with brain stem and spinal cord involvement-high lactate syndrome. Last evaluated: 2023-04-11. Review status: criteria provided, single submitter. Criteria: ACMG Guidelines, 2015. Collection method: clinical testing. Allele origin: germline. Affected: no.

GeneDx
Classification: Benign. Last evaluated: 2012-05-01. Review status: criteria provided, single submitter. Criteria: GeneDx Variant Classification (06012015). Collection method: clinical testing. Allele origin: germline. Affected: yes.
Comment: This variant is considered likely benign or benign based on one or more of the following criteria: it is a conservative change, it occurs at a poorly conserved position in the protein, it is predicted to be benign by multiple in silico algorithms, and/or has population frequency not consistent with disease.

Breakthrough Genomics
Classification: Benign. Review status: criteria provided, single submitter. Criteria: ACMG Guidelines, 2015. Collection method: not provided. Allele origin: germline. Inheritance: Autosomal recessive inheritance. Affected: yes.

Mayo Clinic Laboratories, Mayo Clinic
Classification: Benign. Last evaluated: 2016-02-15. Review status: no assertion criteria provided. Collection method: clinical testing. Allele origin: unknown. Not counted in ClinVar's aggregate classification.

NM_018122.5(DARS2):c.228-20T>C

Gene: DARS2 (aspartyl-tRNA synthetase 2, mitochondrial; plus strand). Cytogenetic location: 1q25.1.
Variant type: single nucleotide variant.
Coding change: c.228-20T>C on transcript NM_018122.5 (MANE Select); 20 bases into the intron before coding-DNA position 228, T replaced by C.
Molecular consequence: intron variant.
Genome position (GRCh38, 1-based): chr1:173,828,313, T>C. VCF-style: chr1-173828313-T-C. GRCh37 (hg19) VCF-style: chr1-173797451-T-C.
Other names: c.228-20T>C (NM_001365212.1, NM_001365213.2).
Identifiers: ClinVar variation 137068 (VCV000137068.15), dbSNP rs55878143, ClinGen allele CA290566.